The following is an entry in ClinVar:

ClinVar aggregate classification (germline): Pathogenic/Likely pathogenic. Review status: criteria provided, multiple submitters, no conflicts (2 of 4 stars). 4 submissions from 3 submitters: Pathogenic (1); Likely pathogenic (3). Last evaluated 2023-09-08.

Conditions:
Cardiovascular phenotype. Identifiers: MedGen CN230736.
Autosomal recessive limb-girdle muscular dystrophy type 2J (LGMDR10). Also called: Limb-girdle muscular dystrophy, type 2J; MUSCULAR DYSTROPHY, LIMB-GIRDLE, AUTOSOMAL RECESSIVE 10. Identifiers: Orphanet 140922, MedGen C1837342, MONDO:0012127, OMIM 608807.
Dilated cardiomyopathy 1G (CMD1G). Identifiers: Orphanet 154, MedGen C1858763, MONDO:0011400, OMIM 604145.

Submissions (4):

Labcorp Genetics (formerly Invitae), Labcorp
Classification: Likely pathogenic for Dilated cardiomyopathy 1G; Autosomal recessive limb-girdle muscular dystrophy type 2J. Last evaluated: 2023-09-08. Review status: criteria provided, single submitter. Criteria: Invitae Variant Classification Sherloc (09022015). Collection method: clinical testing. Allele origin: germline.
Comment: This variant has not been reported in the literature in individuals affected with TTN-related conditions. ClinVar contains an entry for this variant (Variation ID: 238840). This variant is located in the A band of TTN (PMID: 25589632). Truncating variants in this region are significantly overrepresented in patients affected with dilated cardiomyopathy (PMID: 25589632). Truncating variants in this region have also been reported in individuals affected with autosomal recessive centronuclear myopathy (PMID: 23975875). In summary, the currently available evidence indicates that the variant is pathogenic, but additional data are needed to prove that conclusively. Therefore, this variant has been classified as Likely Pathogenic. This variant is not present in population databases (gnomAD no frequency). This sequence change creates a premature translational stop signal (p.Ala24870Leufs*4) in the TTN gene. While this is not anticipated to result in nonsense mediated decay, it is expected to create a truncated TTN protein.

Ambry Genetics
Classification: Likely pathogenic for Cardiovascular phenotype. Last evaluated: 2020-09-16. Review status: criteria provided, single submitter. Criteria: Ambry Variant Classification Scheme 2023. Collection method: clinical testing. Allele origin: germline.
Comment: The c.47413delG variant, located in coding exon 153 of the TTN gene, results from a deletion of one nucleotide at nucleotide position 47413, causing a translational frameshift with a predicted alternate stop codon (p.A15805Lfs*4). This exon is located in the A-band region of the N2-B isoform of the titin protein and is constitutively expressed in TTN transcripts (percent spliced in or PSI 100%). This variant was not reported in population-based cohorts in the Genome Aggregation Database (gnomAD). This alteration is expected to result in loss of function by premature protein truncation or nonsense-mediated mRNA decay. While truncating variants in TTN are present in 1-3% of the general population, truncating variants in the A-band are the most common cause of dilated cardiomyopathy (DCM) (Herman DS et al. N. Engl. J. Med., 2012 Feb;366:619-28; Roberts AM et al. Sci Transl Med, 2015 Jan;7:270ra6). TTN truncating variants encoded in constitutive exons (PSI >90%) have been found to be significantly associated with DCM regardless of their position in titin (Schafer S et al. Nat. Genet., 2017 01;49:46-53). As such, this alteration is classified as likely pathogenic.

GeneDx
Classification: Pathogenic. Last evaluated: 2016-07-12. Review status: criteria provided, single submitter. Criteria: GeneDx Variant Classification (06012015). Collection method: clinical testing. Allele origin: germline. Affected: yes.
Comment: The c.69685delG pathogenic variant in the TTN gene has not been reported previously as a pathogenic variant or as a benign variant, to our knowledge. However, it is classified in ClinVar as a likely pathogenic variant in association with dilated cardiomyopathy (DCM) by another clinical laboratory (reported as c.74608delG due to alternative nomenclature) (ClinVar SCV000286828.1; Landrum et al., 2016). c.69685delG causes a shift in reading frame starting at codon Alanine 23229, changing it to a Leucine, and creating a premature stop codon at position 4 of the new reading frame, denoted p.Ala23229LeufsX4. This pathogenic variant is expected to result in either an abnormal, truncated protein product or loss of protein from this allele through nonsense-mediated mRNA decay. Other truncating TTN variants have been reported in approximately 3% of control alleles (Herman et al., 2012). However, c.69685delG is located in the A-band region of titin, where the majority of truncating pathogenic variants associated with DCM have been reported (Herman et al., 2012). Furthermore, the c.69685delG variant was not observed in approximately 6,000 individuals of European and African American ancestry in the NHLBI Exome Sequencing Project, indicating it is not a common benign variant in these populations.

Labcorp Genetics (formerly Invitae), Labcorp
Classification: Likely pathogenic for Dilated cardiomyopathy 1G. Last evaluated: 2015-12-01. Review status: criteria provided, single submitter. Criteria: Invitae Variant Classification Sherloc (09022015). Collection method: clinical testing. Allele origin: germline.
Comment: This sequence change deletes 1 nucleotide from exon 326 of the TTN mRNA (c.74608delG), causing a frameshift at codon 24870. This creates a premature translational stop signal (p.Ala24870Leufs*4) and is expected to result in an absent or disrupted protein product. This variant is found in the A-band of this gene. While this particular variant has not been reported in the literature, truncating variants in the A-band of TTN are likely pathogenic (PMID: 25589632). For these reasons, this variant has been classified as Likely Pathogenic.

Literature cited by the submitters: PubMed 25589632 (cited by Labcorp Genetics (formerly Invitae), Labcorp); PubMed 23975875 (cited by Labcorp Genetics (formerly Invitae), Labcorp).

NM_001267550.2(TTN):c.74608del (p.Ala24870fs)

Genes: TTN (titin; minus strand), TTN-AS1 (TTN antisense RNA 1; plus strand). Cytogenetic location: 2q31.2.
Variant type: Deletion.
Coding change: c.74608del on transcript NM_001267550.2 (MANE Select); coding-DNA position 74608, one base deleted (G; older notation c.74608delG).
Protein change: p.Ala24870fs; shifts the reading frame from alanine 24870.
Molecular consequence: frameshift variant.
Genome position (GRCh38, 1-based): chr2:178,571,524, C deleted on the plus strand (G on the coding strand, the reverse complement: TTN is on the minus strand); the first of 2 consecutive C bases (chr2:178,571,524-178,571,525); deleting either gives the same sequence. VCF-style (leftmost placement, unchanged base first): chr2-178571523-GC-G. GRCh37 (hg19) VCF-style: chr2-179436250-GC-G.
Other names: c.69685del, p.Ala23229fs (NM_001256850.1); c.47413del, p.Ala15805fs (NM_003319.4); c.66904del, p.Ala22302fs (NM_133378.4); c.47788del, p.Ala15930fs (NM_133432.3); c.47989del, p.Ala15997fs (NM_133437.4); c.74608delG (NM_001267550.2); c.47413delG (NM_003319.4); c.69685delG (NM_001256850.1); short protein forms A15997fs, A22302fs, A23229fs, A15805fs, A24870fs, A15930fs.
Identifiers: ClinVar variation 238840 (VCV000238840.13), dbSNP rs878854332, ClinGen allele CA10581845.